The following is an entry in ClinVar:

ClinVar aggregate classification (germline): Uncertain significance (1 of 4 stars; one submission).

Submission:

CeGaT Center for Human Genetics Tuebingen
Classification: Uncertain significance. Last evaluated: 2023-07-01. Review status: criteria provided, single submitter. Criteria: CeGaT Center For Human Genetics Tuebingen Variant Classification Criteria Version 2. Collection method: clinical testing. Allele origin: germline. Affected: yes. Observed: 1 variant allele.
Comment: CSNK2A1: PM2, PS2:Moderate, PP2

NM_177559.3(CSNK2A1):c.545A>G (p.Tyr182Cys)

Gene: CSNK2A1 (casein kinase 2 alpha 1; minus strand). Cytogenetic location: 20p13.
Variant type: single nucleotide variant.
Coding change: c.545A>G on transcript NM_177559.3 (MANE Select); coding-DNA position 545, A replaced by G.
Protein change: p.Tyr182Cys; replaces tyrosine 182 with cysteine.
Molecular consequence: missense variant.
Genome position (GRCh38, 1-based): chr20:492,330, T>C on the plus strand (A>G on the coding strand, the complement: CSNK2A1 is on the minus strand). VCF-style: chr20-492330-T-C. GRCh37 (hg19) VCF-style: chr20-472974-T-C.
Other names: c.545A>G, p.Tyr182Cys (NM_001362771.2, NM_001895.4, NM_001362770.2); c.137A>G, p.Tyr46Cys (NM_177560.3); short protein forms Y182C, Y46C.
Identifiers: ClinVar variation 2578906 (VCV002578906.25), dbSNP rs2514647106, ClinGen allele CA407931421.